The following is an entry in ClinVar:

NM_004380.3(CREBBP):c.2594G>T (p.Gly865Val)

Gene: CREBBP (CREB binding lysine acetyltransferase; minus strand). Cytogenetic location: 16p13.3.
Variant type: single nucleotide variant.
Coding change: c.2594G>T on transcript NM_004380.3 (MANE Select); coding-DNA position 2594, G replaced by T.
Protein change: p.Gly865Val; replaces glycine 865 with valine.
Molecular consequence: missense variant.
Genome position (GRCh38, 1-based): chr16:3,770,856, C>A on the plus strand (G>T on the coding strand, the complement: CREBBP is on the minus strand). VCF-style: chr16-3770856-C-A. GRCh37 (hg19) VCF-style: chr16-3820857-C-A.
Other names: c.2480G>T, p.Gly827Val (NM_001079846.1); c.2594G>T (NM_004380.2); short protein forms G827V, G865V.
Identifiers: ClinVar variation 3251897 (VCV003251897.3), dbSNP rs1287881042.

ClinVar aggregate classification (germline): Uncertain significance. Review status: criteria provided, multiple submitters, no conflicts (2 of 4 stars). 3 submissions from 3 submitters: Uncertain significance (2). 1 of the submissions does not count toward it. Last evaluated 2024-04-17.

Conditions:
CREBBP-related disorder. Also called: CREBBP-related disorders; CREBBP-related condition.
Menke-Hennekam syndrome 1 (MKHK1). Identifiers: MedGen C5193034, MONDO:0020763, OMIM 618332.
Rubinstein-Taybi syndrome due to CREBBP mutations (RSTS1). Also called: RUBINSTEIN-TAYBI SYNDROME 1, INCOMPLETE; BROAD THUMB-HALLUX SYNDROME; RUBINSTEIN SYNDROME; Rubinstein-Taybi syndrome 1; BROAD THUMBS AND GREAT TOES, CHARACTERISTIC FACIES, AND IMPAIRED INTELLECTUAL DEVELOPMENT; CREBBP-Related Rubinstein-Taybi Syndrome. Identifiers: Orphanet 353277, Orphanet 783, MedGen C4551859, MONDO:0008393, OMIM 180849.

Allele frequency attached by ClinVar (database versions not stated): gnomAD exomes below 0.00001; gnomAD 0.00001; TOPMed 0.00001.
gnomAD v4.1: 3 of 1,613,650 alleles (0.00019%); highest among the groups gnomAD compares: African/African-American, 0.004%; no homozygotes.

Submissions (3):

Women's Health and Genetics/Laboratory Corporation of America, LabCorp
Classification: Uncertain significance. Last evaluated: 2024-04-17. Review status: criteria provided, single submitter. Criteria: LabCorp Variant Classification Summary - May 2015. Collection method: clinical testing. Allele origin: germline.
Comment: Variant summary: CREBBP c.2594G>T (p.Gly865Val) results in a non-conservative amino acid change in the encoded protein sequence. Three of five in-silico tools predict a benign effect of the variant on protein function. The variant was absent in 251302 control chromosomes. The available data on variant occurrences in the general population are insufficient to allow any conclusion about variant significance. To our knowledge, no occurrence of c.2594G>T in individuals affected with Rubinstein-Taybi Syndrome and no experimental evidence demonstrating its impact on protein function have been reported. No submitters have cited clinical-significance assessments for this variant to ClinVar. Based on the evidence outlined above, the variant was classified as uncertain significance.

Fulgent Genetics
Classification: Uncertain significance for Rubinstein-Taybi syndrome due to CREBBP mutations; Menke-Hennekam syndrome 1. Last evaluated: 2024-01-23. Review status: criteria provided, single submitter. Criteria: ACMG Guidelines, 2015. Collection method: clinical testing. Allele origin: germline.

PreventionGenetics, part of Exact Sciences
Classification: Uncertain significance for CREBBP-related condition. Last evaluated: 2024-08-06. Review status: no assertion criteria provided. Collection method: clinical testing. Allele origin: germline. Not counted in ClinVar's aggregate classification.
Comment: The CREBBP c.2594G>T variant is predicted to result in the amino acid substitution p.Gly865Val. To our knowledge, this variant has not been reported in the literature or in a large population database, indicating this variant is rare. At this time, the clinical significance of this variant is uncertain due to the absence of conclusive functional and genetic evidence.